The following is an entry in ClinVar:

NM_000399.5(EGR2):c.874C>T (p.Pro292Ser)

Gene: EGR2 (early growth response 2; minus strand). Cytogenetic location: 10q21.3.
Variant type: single nucleotide variant.
Coding change: c.874C>T on transcript NM_000399.5 (MANE Select); coding-DNA position 874, C replaced by T.
Protein change: p.Pro292Ser; replaces proline 292 with serine.
Molecular consequence: missense variant.
Genome position (GRCh38, 1-based): chr10:62,813,764, G>A on the plus strand (C>T on the coding strand, the complement: EGR2 is on the minus strand). VCF-style: chr10-62813764-G-A. GRCh37 (hg19) VCF-style: chr10-64573524-G-A.
Other names: c.874C>T, p.Pro292Ser (NM_001136177.3, NM_001136178.2); c.724C>T, p.Pro242Ser (NM_001136179.3, NM_001321037.2); c.913C>T, p.Pro305Ser (NM_001410931.1); short protein forms P292S, P305S, P242S.
Identifiers: ClinVar variation 2955636 (VCV002955636.3), dbSNP rs746222548, ClinGen allele CA5517211.

ClinVar aggregate classification (germline): Uncertain significance (1 of 4 stars; one submission).

Conditions:
Charcot-Marie-Tooth disease, type I (CMT1). Also called: Charcot-Marie-Tooth, Type 1; Charcot-Marie-Tooth disease type 1. Identifiers: Orphanet 65753, MedGen C0751036, MONDO:0019011.

Allele frequency attached by ClinVar (database versions not stated): TOPMed below 0.00001; ExAC 0.00001; gnomAD 0.00001.
gnomAD v4.1: 1 of 1,612,290 alleles (0.000062%); highest among the groups gnomAD compares: African/African-American, 0.0013%; no homozygotes.

Submission:

Labcorp Genetics (formerly Invitae), Labcorp
Classification: Uncertain significance for Charcot-Marie-Tooth disease, type I. Last evaluated: 2024-04-24. Review status: criteria provided, single submitter. Criteria: Invitae Variant Classification Sherloc (09022015). Collection method: clinical testing. Allele origin: germline.
Comment: This sequence change replaces proline, which is neutral and non-polar, with serine, which is neutral and polar, at codon 292 of the EGR2 protein (p.Pro292Ser). This variant is present in population databases (rs746222548, gnomAD 0.007%). This variant has not been reported in the literature in individuals affected with EGR2-related conditions. Advanced modeling of protein sequence and biophysical properties (such as structural, functional, and spatial information, amino acid conservation, physicochemical variation, residue mobility, and thermodynamic stability) has been performed at Invitae for this missense variant, however the output from this modeling did not meet the statistical confidence thresholds required to predict the impact of this variant on EGR2 protein function. In summary, the available evidence is currently insufficient to determine the role of this variant in disease. Therefore, it has been classified as a Variant of Uncertain Significance.